The following is an entry in ClinVar:

NM_013352.4(DSE):c.1488_1506del (p.Pro497fs)

Gene: DSE (dermatan sulfate epimerase; plus strand). Cytogenetic location: 6q22.1.
Variant type: Deletion.
Coding change: c.1488_1506del on transcript NM_013352.4 (MANE Select); coding-DNA positions 1488 to 1506, 19 bases deleted (TCCCTGGGTGGGTCAGGTC).
Protein change: p.Pro497fs; shifts the reading frame from proline 497.
Molecular consequence: frameshift variant. On other transcripts: 3 prime UTR variant (2), non-coding transcript variant (1).
Genome position (GRCh38, 1-based): chr6:116,435,956-116,435,974, TCCCTGGGTGGGTCAGGTC deleted; deleting any 19 consecutive bases within chr6:116,435,954-116,435,974 gives the same sequence; the c. name uses the placement nearest the transcript's 3' end. VCF-style (leftmost placement, unchanged base first): chr6-116435953-TTCTCCCTGGGTGGGTCAGG-T. GRCh37 (hg19) VCF-style: chr6-116757116-TTCTCCCTGGGTGGGTCAGG-T.
Other names: c.1488_1506del, p.Pro497fs (NM_001080976.3, NM_001322937.2, NM_001322938.2); c.1545_1563del, p.Pro516fs (NM_001322939.2); c.927_945del, p.Pro310fs (NM_001322940.2, NM_001322941.2); c.*353_*371del (NM_001322943.2, NM_001322944.2); c.489_507del, p.Pro164fs (NM_001374520.1); c.453_471del, p.Pro152fs (NM_001374521.1); short protein forms P164fs, P152fs, P516fs, P310fs, P497fs.
Identifiers: ClinVar variation 1400698 (VCV001400698.8), dbSNP rs2115094515, ClinGen allele CA2573140423.
Genomic context (GRCh38, chr6:116,435,953, plus strand): 5'-AAAGTACACCTTCTTCAACAATGTTTTGATGTTTTCCCCAGCTGTGTCAAAGAGCTGCTT[TTCTCCCTGGGTGGGTCAGG>T]TCACAGAAGACTGCTCATCAAAATGGTCTAAATACAAGCATGACCTGGCAGCTAGTTGTC-3'

ClinVar aggregate classification (germline): Uncertain significance (1 of 4 stars; one submission).

Conditions:
Ehlers-Danlos syndrome, musculocontractural type 2 (EDSMC2). Identifiers: Orphanet 2953, MedGen C3809845, MONDO:0014236, OMIM 615539.

Submission:

Labcorp Genetics (formerly Invitae), Labcorp
Classification: Uncertain significance for Ehlers-Danlos syndrome, musculocontractural type 2. Last evaluated: 2021-02-22. Review status: criteria provided, single submitter. Criteria: Invitae Variant Classification Sherloc (09022015). Collection method: clinical testing. Allele origin: germline.
Comment: This sequence change creates a premature translational stop signal (p.Pro497Glnfs*49) in the DSE gene. While this is not anticipated to result in nonsense mediated decay, it is expected to disrupt the last 462 amino acid(s) of the DSE protein. This variant is not present in population databases (ExAC no frequency). This variant has not been reported in the literature in individuals with DSE-related conditions. In summary, the available evidence is currently insufficient to determine the role of this variant in disease. Therefore, it has been classified as a Variant of Uncertain Significance.